The following is an entry in ClinVar:

ClinVar aggregate classification (germline): Uncertain significance (1 of 4 stars; one submission).

Conditions:
Inborn genetic diseases. Identifiers: MedGen C0950123, MeSH D030342.

Submission:

Ambry Genetics
Classification: Uncertain significance for Inborn genetic diseases. Last evaluated: 2025-12-10. Review status: criteria provided, single submitter. Criteria: Ambry Variant Classification Scheme 2023. Collection method: clinical testing. Allele origin: germline.
Comment: The p.V167M variant (also known as c.499G>A), located in coding exon 5 of the PAX5 gene, results from a G to A substitution at nucleotide position 499. The valine at codon 167 is replaced by methionine, an amino acid with highly similar properties. This amino acid position is conserved. In addition, this alteration is predicted to be deleterious by in silico analysis. Based on the available evidence, the clinical significance of this variant remains unclear.

NM_016734.3(PAX5):c.499G>A (p.Val167Met)

Genes: PAX5 (paired box 5; minus strand), LOC105376032 (uncharacterized LOC105376032; plus strand). Cytogenetic location: 9p13.2.
Variant type: single nucleotide variant.
Coding change: c.499G>A on transcript NM_016734.3 (MANE Select); coding-DNA position 499, G replaced by A.
Protein change: p.Val167Met; replaces valine 167 with methionine.
Molecular consequence: missense variant. On other transcripts: non-coding transcript variant (4), intron variant (2).
Genome position (GRCh38, 1-based): chr9:37,002,753, C>T on the plus strand (G>A on the coding strand, the complement: PAX5 is on the minus strand). VCF-style: chr9-37002753-C-T. GRCh37 (hg19) VCF-style: chr9-37002750-C-T.
Other names: c.499G>A, p.Val167Met (NM_001280549.2, NM_001280550.2, NM_001280552.2 and 2 more transcripts); c.175G>A, p.Val59Met (NM_001280551.2, NM_001280556.2); c.301G>A, p.Val101Met (NM_001280555.2); c.475+3720G>A (NM_001280553.2, NM_001280554.2); short protein forms V101M, V167M, V59M.
Identifiers: ClinVar variation 3928362 (VCV003928362.2).